The following is an entry in ClinVar:

NM_001080467.3(MYO5B):c.3000del (p.Ile1001fs)

Gene: MYO5B (myosin VB; minus strand). Cytogenetic location: 18q21.1.
Variant type: Deletion.
Coding change: c.3000del on transcript NM_001080467.3 (MANE Select); coding-DNA position 3000, one base deleted (G; older notation c.3000delG).
Protein change: p.Ile1001fs; shifts the reading frame from isoleucine 1001.
Molecular consequence: frameshift variant.
Genome position (GRCh38, 1-based): chr18:49,894,986, C deleted on the plus strand (G on the coding strand, the reverse complement: MYO5B is on the minus strand). VCF-style (leftmost placement, unchanged base first): chr18-49894985-TC-T. GRCh37 (hg19) VCF-style: chr18-47421355-TC-T.
Other names: short protein forms I1001fs.
Identifiers: ClinVar variation 4074746 (VCV004074746.1).

ClinVar aggregate classification (germline): Likely pathogenic (1 of 4 stars; one submission).

Conditions:
Cholestasis, progressive familial intrahepatic, 10 (PFIC10). Identifiers: MedGen C5676981, MONDO:0030810, OMIM 619868.

Submission:

Institute of Immunology and Genetics Kaiserslautern
Classification: Likely pathogenic for Cholestasis, progressive familial intrahepatic, 10. Last evaluated: 2025-06-26. Review status: criteria provided, single submitter. Criteria: ACMG Guidelines, 2015. Collection method: clinical testing. Allele origin: germline. Affected: yes.
Comment: ACMG Criteria: PVS1, PM2; Variant was found in heterozygous state and detected together with NM_001080467.3:c.1175T>C.